The following is an entry in ClinVar:

NM_005554.4(KRT6A):c.1441G>A (p.Val481Ile)

Gene: KRT6A (keratin 6A; minus strand). Cytogenetic location: 12q13.13.
Variant type: single nucleotide variant.
Coding change: c.1441G>A on transcript NM_005554.4 (MANE Select); coding-DNA position 1441, G replaced by A.
Protein change: p.Val481Ile; replaces valine 481 with isoleucine.
Molecular consequence: missense variant.
Genome position (GRCh38, 1-based): chr12:52,488,087, C>T on the plus strand (G>A on the coding strand, the complement: KRT6A is on the minus strand). VCF-style: chr12-52488087-C-T. GRCh37 (hg19) VCF-style: chr12-52881871-C-T.
Other names: short protein forms V481I.
Identifiers: ClinVar variation 2588365 (VCV002588365.6), dbSNP rs201376827, ClinGen allele CA6581825.

ClinVar aggregate classification (germline): Uncertain significance. Review status: criteria provided, multiple submitters, no conflicts (2 of 4 stars). 2 submissions from 2 submitters: Uncertain significance (2). Last evaluated 2025-08-31.

Conditions:
Inborn genetic diseases. Identifiers: MedGen C0950123, MeSH D030342.

Allele frequency attached by ClinVar (database versions not stated): ExAC 0.00011; gnomAD 0.00028; TOPMed 0.00031; ESP Exome Variant Server 0.00054.

Submissions (2):

Ambry Genetics
Classification: Uncertain significance for Inborn genetic diseases. Last evaluated: 2025-08-31. Review status: criteria provided, single submitter. Criteria: Ambry Variant Classification Scheme 2023. Collection method: clinical testing. Allele origin: germline.

Labcorp Genetics (formerly Invitae), Labcorp
Classification: Uncertain significance. Last evaluated: 2023-11-24. Review status: criteria provided, single submitter. Criteria: Invitae Variant Classification Sherloc (09022015). Collection method: clinical testing. Allele origin: germline.
Comment: This sequence change replaces valine, which is neutral and non-polar, with isoleucine, which is neutral and non-polar, at codon 481 of the KRT6A protein (p.Val481Ile). This variant is present in population databases (rs201376827, gnomAD 0.05%), and has an allele count higher than expected for a pathogenic variant. This variant has not been reported in the literature in individuals affected with KRT6A-related conditions. Advanced modeling of protein sequence and biophysical properties (such as structural, functional, and spatial information, amino acid conservation, physicochemical variation, residue mobility, and thermodynamic stability) performed at Invitae indicates that this missense variant is not expected to disrupt KRT6A protein function with a negative predictive value of 80%. In summary, the available evidence is currently insufficient to determine the role of this variant in disease. Therefore, it has been classified as a Variant of Uncertain Significance.